The following is an entry in ClinVar:

ClinVar aggregate classification (germline): Uncertain significance (1 of 4 stars; one submission).

Conditions:
Immunodeficiency 19 (IMD19). Also called: CD3-DELTA DEFICIENCY; SEVERE COMBINED IMMUNODEFICIENCY, T CELL-NEGATIVE, B CELL-POSITIVE, NK CELL-POSITIVE; SCID, T CELL-NEGATIVE, B CELL-POSITIVE, NK CELL-POSITIVE; IMMUNODEFICIENCY 19, SEVERE COMBINED. Identifiers: MedGen C3810147, MONDO:0014280, OMIM 615617.

Allele frequency attached by ClinVar (database versions not stated): gnomAD exomes below 0.00001 and 0.00001; TOPMed below 0.00001; gnomAD 0.00001.
gnomAD v4.1: 14 of 1,613,918 alleles (0.00087%); highest among the groups gnomAD compares: Non-Finnish European, 0.00093%; no homozygotes.

Submission:

Labcorp Genetics (formerly Invitae), Labcorp
Classification: Uncertain significance for Immunodeficiency 19. Last evaluated: 2022-10-17. Review status: criteria provided, single submitter. Criteria: Invitae Variant Classification Sherloc (09022015). Collection method: clinical testing. Allele origin: germline.
Comment: This sequence change replaces asparagine, which is neutral and polar, with lysine, which is basic and polar, at codon 145 of the CD3D protein (p.Asn145Lys). This variant is present in population databases (no rsID available, gnomAD 0.0009%). This variant has not been reported in the literature in individuals affected with CD3D-related conditions. ClinVar contains an entry for this variant (Variation ID: 1391251). Algorithms developed to predict the effect of missense changes on protein structure and function (SIFT, PolyPhen-2, Align-GVGD) all suggest that this variant is likely to be disruptive. In summary, the available evidence is currently insufficient to determine the role of this variant in disease. Therefore, it has been classified as a Variant of Uncertain Significance.

NM_000732.6(CD3D):c.435T>A (p.Asn145Lys)

Gene: CD3D (CD3 delta subunit of T-cell receptor complex; minus strand). Cytogenetic location: 11q23.3.
Variant type: single nucleotide variant.
Coding change: c.435T>A on transcript NM_000732.6 (MANE Select); coding-DNA position 435, T replaced by A.
Protein change: p.Asn145Lys; replaces asparagine 145 with lysine.
Molecular consequence: missense variant.
Genome position (GRCh38, 1-based): chr11:118,339,466, A>T on the plus strand (T>A on the coding strand, the complement: CD3D is on the minus strand). VCF-style: chr11-118339466-A-T. GRCh37 (hg19) VCF-style: chr11-118210181-A-T.
Other names: c.303T>A, p.Asn101Lys (NM_001040651.2); short protein forms N145K, N101K.
Identifiers: ClinVar variation 1391251 (VCV001391251.3), dbSNP rs1170396966, ClinGen allele CA382787887.